The following is an entry in ClinVar:

NM_177438.3(DICER1):c.4295C>T (p.Pro1432Leu)

Gene: DICER1 (dicer 1, ribonuclease III; minus strand). Cytogenetic location: 14q32.13.
Variant type: single nucleotide variant.
Coding change: c.4295C>T on transcript NM_177438.3 (MANE Select); coding-DNA position 4295, C replaced by T.
Protein change: p.Pro1432Leu; replaces proline 1432 with leucine.
Molecular consequence: missense variant.
Genome position (GRCh38, 1-based): chr14:95,096,625, G>A on the plus strand (C>T on the coding strand, the complement: DICER1 is on the minus strand). VCF-style: chr14-95096625-G-A. GRCh37 (hg19) VCF-style: chr14-95562962-G-A.
Other names: c.4295C>T, p.Pro1432Leu (NM_001195573.1, NM_001271282.3, NM_001291628.2 and 1 more transcripts); short protein forms P1432L.
Identifiers: ClinVar variation 477200 (VCV000477200.23), dbSNP rs747593690, ClinGen allele CA7330861.
Genomic context (GRCh38, chr14:95,096,625, plus strand): 5'-AATCTGATATGTTCCTGATCATACTCCAGGAAATCATCTTCATAGTCAGCCTCTTCCTTC[G>A]GAGCCCTCCACATCAGGCTCTCCTCCTCCTCATCCTCCTCCTCGTAATCCTCATCCAGTT-3'
Protein context (NP_803187.1, residues 1422-1442): EEEESLMWRA[Pro1432Leu]KEEADYEDDF

ClinVar aggregate classification (germline): Uncertain significance. Review status: criteria provided, multiple submitters, no conflicts (2 of 4 stars). 6 submissions from 6 submitters: Uncertain significance (6). Last evaluated 2025-12-29.

Conditions:
Global developmental delay - lung cysts - overgrowth - Wilms tumor syndrome. Also called: GLOW Syndrome; GLOBAL DEVELOPMENTAL DELAY, LUNG CYSTS, OVERGROWTH, AND WILMS TUMOR. Identifiers: Orphanet 404476, MedGen C4748924, MONDO:0018445, OMIM 618272.
DICER1-related tumor predisposition. Also called: DICER1-related pleuropulmonary blastoma cancer predisposition syndrome; DICER1 syndrome. Identifiers: Orphanet 284343, MedGen C3839822, MONDO:0100216.
Hereditary cancer-predisposing syndrome. Also called: Tumor predisposition; Neoplastic Syndromes, Hereditary; Hereditary Cancer Syndrome; Hereditary neoplastic syndrome. Identifiers: Orphanet 140162, MedGen C0027672, MeSH D009386, MONDO:0015356.

Allele frequency attached by ClinVar (database versions not stated): TOPMed below 0.00001; gnomAD exomes 0.00002; ExAC 0.00003; gnomAD 0.00003.
gnomAD v4.1: 9 of 1,611,550 alleles (0.00056%); highest among the groups gnomAD compares: East Asian, 0.0022%; no homozygotes.

Submissions (6):

Center for Genomic Medicine, Rigshospitalet, Copenhagen University Hospital
Classification: Uncertain significance. Last evaluated: 2025-12-29. Review status: criteria provided, single submitter. Criteria: ACMG Guidelines, 2015. Collection method: clinical testing. Allele origin: germline.
Comment: Classification criteria: BP4

Ambry Genetics
Classification: Uncertain significance for Hereditary cancer-predisposing syndrome. Last evaluated: 2025-09-10. Review status: criteria provided, single submitter. Criteria: Ambry Variant Classification Scheme 2023. Collection method: clinical testing. Allele origin: germline.
Comment: The p.P1432L variant (also known as c.4295C>T), located in coding exon 22 of the DICER1 gene, results from a C to T substitution at nucleotide position 4295. The proline at codon 1432 is replaced by leucine, an amino acid with similar properties. This amino acid position is highly conserved in available vertebrate species. In addition, this alteration is predicted to be deleterious by in silico analysis. Since supporting evidence is limited at this time, the clinical significance of this alteration remains unclear.

Labcorp Genetics (formerly Invitae), Labcorp
Classification: Uncertain significance for DICER1-related tumor predisposition. Last evaluated: 2025-04-07. Review status: criteria provided, single submitter. Criteria: Invitae Variant Classification Sherloc (09022015). Collection method: clinical testing. Allele origin: germline.
Comment: This sequence change replaces proline, which is neutral and non-polar, with leucine, which is neutral and non-polar, at codon 1432 of the DICER1 protein (p.Pro1432Leu). This variant is present in population databases (rs747593690, gnomAD 0.005%). This variant has not been reported in the literature in individuals affected with DICER1-related conditions. ClinVar contains an entry for this variant (Variation ID: 477200). Invitae Evidence Modeling of protein sequence and biophysical properties (such as structural, functional, and spatial information, amino acid conservation, physicochemical variation, residue mobility, and thermodynamic stability) indicates that this missense variant is not expected to disrupt DICER1 protein function with a negative predictive value of 95%. In summary, the available evidence is currently insufficient to determine the role of this variant in disease. Therefore, it has been classified as a Variant of Uncertain Significance.

Hereditary Cancer Group, L’Institut d'Investigació Biomèdica de Bellvitge
Classification: Uncertain significance for Hereditary cancer-predisposing syndrome. Last evaluated: 2024-12-19. Review status: criteria provided, single submitter. Criteria: Hatton et al. (Hum Mutat. 2023). Collection method: clinical testing. Allele origin: germline. Inheritance: Autosomal dominant inheritance. Affected: yes.
Comment: BP4

Baylor Genetics
Classification: Uncertain significance for Global developmental delay - lung cysts - overgrowth - Wilms tumor syndrome. Last evaluated: 2023-07-05. Review status: criteria provided, single submitter. Criteria: ACMG Guidelines, 2015. Collection method: clinical testing. Allele origin: unknown.

GeneDx
Classification: Uncertain significance. Last evaluated: 2023-03-17. Review status: criteria provided, single submitter. Criteria: GeneDx Variant Classification Process June 2021. Collection method: clinical testing. Allele origin: germline. Affected: yes.
Comment: Not observed at significant frequency in large population cohorts (gnomAD); In silico analysis supports that this missense variant does not alter protein structure/function; Has not been previously published as pathogenic or benign to our knowledge